The following is an entry in ClinVar:

NM_033380.3(COL4A5):c.*51A>T

Gene: COL4A5 (collagen type IV alpha 5 chain; plus strand). Cytogenetic location: Xq22.3.
Variant type: single nucleotide variant.
Coding change: c.*51A>T on transcript NM_033380.3 (MANE Select); 51 bases downstream of the stop codon, A replaced by T.
Molecular consequence: 3 prime UTR variant.
Genome position (GRCh38, 1-based): chrX:108,696,429, A>T. VCF-style: chrX-108696429-A-T. GRCh37 (hg19) VCF-style: chrX-107939659-A-T.
Other names: c.*51A>T (NM_000495.5).
Identifiers: ClinVar variation 2661170 (VCV002661170.24), dbSNP rs750945137, ClinGen allele CA10489468.
Genomic context (GRCh38, chrX:108,696,429, plus strand): 5'-GAGGACATAACATTTTGAAGAATTCCTTTTGTGTTTTAAAATGTGATATATATATATATA[A>T]AATTCCTAGGATGCAGTGTCTCATTGTCCCCAACTTTACTACTGCTGCCGTCAATGGTGC-3'

ClinVar aggregate classification (germline): Likely benign (1 of 4 stars; one submission).

Allele frequency attached by ClinVar (database versions not stated): gnomAD 0.00006; gnomAD exomes 0.00012; TOPMed 0.00012; ExAC 0.00028.
gnomAD v4.1: 113 of 983,700 alleles (0.011%); highest among the groups gnomAD compares: South Asian, 0.042%; no homozygotes.

Submission:

CeGaT Center for Human Genetics Tuebingen
Classification: Likely benign. Last evaluated: 2023-01-01. Review status: criteria provided, single submitter. Criteria: CeGaT Center For Human Genetics Tuebingen Variant Classification Criteria Version 2. Collection method: clinical testing. Allele origin: germline. Affected: yes. Observed: 1 variant allele.
Comment: COL4A5: BS2